The following is an entry in ClinVar:

NM_001005361.3(DNM2):c.481C>A (p.Leu161Met)

Gene: DNM2 (dynamin 2; plus strand). Cytogenetic location: 19p13.2.
Variant type: single nucleotide variant.
Coding change: c.481C>A on transcript NM_001005361.3 (MANE Select); coding-DNA position 481, C replaced by A.
Protein change: p.Leu161Met; replaces leucine 161 with methionine.
Molecular consequence: missense variant.
Genome position (GRCh38, 1-based): chr19:10,775,798, C>A. VCF-style: chr19-10775798-C-A. GRCh37 (hg19) VCF-style: chr19-10886474-C-A.
Other names: c.481C>A, p.Leu161Met (NM_001005360.3, NM_001005362.3, NM_001190716.2 and 1 more transcripts); short protein forms L161M.
Identifiers: ClinVar variation 411952 (VCV000411952.6), dbSNP rs1060503547, ClinGen allele CA16616087.
Genomic context (GRCh38, chr19:10,775,798, plus strand): 5'-ACCAAGGTGCCTGTGGGCGACCAGCCTCCAGACATCGAGTACCAGATCAAGGACATGATC[C>A]TGCAGTTCATCAGCCGGGAGAGCAGCCTCATTCTGGCTGTCACGCCCGCCAACATGGACC-3'
Protein context (NP_001005361.1, residues 151-171): DIEYQIKDMI[Leu161Met]QFISRESSLI

ClinVar aggregate classification (germline): Uncertain significance (1 of 4 stars; one submission).

Conditions:
Charcot-Marie-Tooth disease dominant intermediate B (CMTDIB). Also called: CHARCOT-MARIE-TOOTH NEUROPATHY, DOMINANT INTERMEDIATE B; Charcot-Marie-Tooth disease dominant intermediate 1; CMT DI1; Charcot-Marie-Tooth disease dominant intermediate I. Identifiers: Orphanet 100044, Orphanet 228179, MedGen C1847902, MONDO:0011674, OMIM 606482.

Submission:

Labcorp Genetics (formerly Invitae), Labcorp
Classification: Uncertain significance for Charcot-Marie-Tooth disease dominant intermediate B. Last evaluated: 2023-06-30. Review status: criteria provided, single submitter. Criteria: Invitae Variant Classification Sherloc (09022015). Collection method: clinical testing. Allele origin: germline.
Comment: In summary, the available evidence is currently insufficient to determine the role of this variant in disease. Therefore, it has been classified as a Variant of Uncertain Significance. Advanced modeling of protein sequence and biophysical properties (such as structural, functional, and spatial information, amino acid conservation, physicochemical variation, residue mobility, and thermodynamic stability) has been performed at Invitae for this missense variant, however the output from this modeling did not meet the statistical confidence thresholds required to predict the impact of this variant on DNM2 protein function. ClinVar contains an entry for this variant (Variation ID: 411952). This variant has not been reported in the literature in individuals affected with DNM2-related conditions. This variant is not present in population databases (gnomAD no frequency). This sequence change replaces leucine, which is neutral and non-polar, with methionine, which is neutral and non-polar, at codon 161 of the DNM2 protein (p.Leu161Met).